The following is an entry in ClinVar:

NM_006147.4(IRF6):c.174+1G>A

Gene: IRF6 (interferon regulatory factor 6; minus strand). Cytogenetic location: 1q32.2.
Variant type: single nucleotide variant.
Coding change: c.174+1G>A on transcript NM_006147.4 (MANE Select); the canonical splice donor site of the intron after coding-DNA position 174, G replaced by A.
Molecular consequence: splice donor variant. On other transcripts: intron variant (1).
Genome position (GRCh38, 1-based): chr1:209,801,239, C>T on the plus strand (G>A on the coding strand, the complement: IRF6 is on the minus strand). VCF-style: chr1-209801239-C-T. GRCh37 (hg19) VCF-style: chr1-209974584-C-T.
Other names: c.-111-4687G>A (NM_001206696.2).
Identifiers: ClinVar variation 4985115 (VCV004985115.1).

ClinVar aggregate classification (germline): Pathogenic (1 of 4 stars; one submission).

Conditions:
IRF6-related condition. Also called: IRF6-Related Disorders; IRF6-related disorder. Identifiers: MedGen CN378148, MONDO:1040010.

Submission:

PreventionGenetics, part of Exact Sciences
Classification: Pathogenic for IRF6-related condition. Last evaluated: 2026-04-28. Review status: criteria provided, single submitter. Criteria: ACMG Guidelines, 2015. Collection method: clinical testing. Allele origin: germline.
Comment: The IRF6 c.174+1G>A variant is predicted to disrupt the GT donor site and interfere with normal splicing. This variant has been reported in individuals with popliteal pterygium syndrome (PPS) or Van der Woude syndrome (VWS) (de Lima et al. 2009. PubMed ID: 19282774; Tehranchi et al. 2017. PubMed ID: 28012331). This variant has not been reported in a large population database (gnomAD), indicating this variant is rare. Variants that disrupt the consensus splice donor site in IRF6 are expected to be pathogenic. This variant is interpreted as pathogenic.